The following is an entry in ClinVar:

NM_000135.4(FANCA):c.802G>C (p.Asp268His)

Gene: FANCA (FA complementation group A; minus strand). Cytogenetic location: 16q24.3.
Variant type: single nucleotide variant.
Coding change: c.802G>C on transcript NM_000135.4 (MANE Select); coding-DNA position 802, G replaced by C.
Protein change: p.Asp268His; replaces aspartic acid 268 with histidine.
Molecular consequence: missense variant.
Genome position (GRCh38, 1-based): chr16:89,799,629, C>G on the plus strand (G>C on the coding strand, the complement: FANCA is on the minus strand). VCF-style: chr16-89799629-C-G. GRCh37 (hg19) VCF-style: chr16-89866037-C-G.
Other names: c.802G>C, p.Asp268His (NM_001018112.3, NM_001286167.3); c.706G>C, p.Asp236His (NM_001351830.2); short protein forms D236H, D268H.
Identifiers: ClinVar variation 3848095 (VCV003848095.1).

ClinVar aggregate classification (germline): Uncertain significance (1 of 4 stars; one submission).

Conditions:
Inborn genetic diseases. Identifiers: MedGen C0950123, MeSH D030342.

Submission:

Ambry Genetics
Classification: Uncertain significance for Inborn genetic diseases. Last evaluated: 2025-01-07. Review status: criteria provided, single submitter. Criteria: Ambry Variant Classification Scheme 2023. Collection method: clinical testing. Allele origin: germline.
Comment: The p.D268H variant (also known as c.802G>C), located in coding exon 9 of the FANCA gene, results from a G to C substitution at nucleotide position 802. The aspartic acid at codon 268 is replaced by histidine, an amino acid with similar properties. This amino acid position is conserved. In addition, this alteration is predicted to be tolerated by in silico analysis. Based on the available evidence, the clinical significance of this variant remains unclear.